The following is an entry in ClinVar:

NM_001281740.3(FHOD3):c.2169A>T (p.Ser723=)

Gene: FHOD3 (formin homology 2 domain containing 3; plus strand). Cytogenetic location: 18q12.2.
Variant type: single nucleotide variant.
Coding change: c.2169A>T on transcript NM_001281740.3 (MANE Select); coding-DNA position 2169, A replaced by T.
Protein change: p.Ser723=; no amino-acid change (serine 723 retained).
Molecular consequence: synonymous variant.
Genome position (GRCh38, 1-based): chr18:36,693,356, A>T. VCF-style: chr18-36693356-A-T. GRCh37 (hg19) VCF-style: chr18-34273319-A-T.
Other names: c.1593A>T, p.Ser531= (NM_001281739.3); c.1644A>T, p.Ser548= (NM_025135.5).
Identifiers: ClinVar variation 4978719 (VCV004978719.1).
Genomic context (GRCh38, chr18:36,693,356, plus strand): 5'-CTTGGACCTGACCTCGCCAGCAGCCCCAGCCTGCCTGGCTCCTCTGAGCCATAGCCCCTC[A>T]TCTTCAGACTCTCAAGAGGCTCTCACGGTGTCTGCCTCCTCCCCAGGAACCCCTCACCAT-3'
Protein context (NP_001268669.1, residues 713-733): ACLAPLSHSP[Ser723=]SSDSQEALTV

ClinVar aggregate classification (germline): Likely benign (1 of 4 stars; one submission).

Conditions:
FHOD3-related disorder. Also called: FHOD3-related condition.

gnomAD v4.1: 60 of 1,613,826 alleles (0.0037%); highest among the groups gnomAD compares: African/African-American, 0.076%; no homozygotes.

Submission:

PreventionGenetics, part of Exact Sciences
Classification: Likely benign for FHOD3-related condition. Last evaluated: 2025-12-18. Review status: criteria provided, single submitter. Criteria: ACMG Guidelines, 2015. Collection method: clinical testing. Allele origin: germline.
Comment: This variant is classified as likely benign based on ACMG/AMP sequence variant interpretation guidelines (Richards et al. 2015 PMID: 25741868, with internal and published modifications).